The following is an entry in ClinVar:

NM_147686.4(TRAF3IP2):c.1454A>G (p.His485Arg)

Genes: TRAF3IP2 (TRAF3 interacting protein 2; minus strand), TRAF3IP2-AS1 (TRAF3IP2 antisense RNA 1; plus strand). Cytogenetic location: 6q21.
Variant type: single nucleotide variant.
Coding change: c.1454A>G on transcript NM_147686.4 (MANE Select); coding-DNA position 1454, A replaced by G.
Protein change: p.His485Arg; replaces histidine 485 with arginine.
Molecular consequence: missense variant.
Genome position (GRCh38, 1-based): chr6:111,566,466, T>C on the plus strand (A>G on the coding strand, the complement: TRAF3IP2 is on the minus strand). VCF-style: chr6-111566466-T-C. GRCh37 (hg19) VCF-style: chr6-111887669-T-C.
Other names: c.1451A>G, p.His484Arg (NM_001164281.3); c.86A>G, p.His29Arg (NM_001164283.3); c.1481A>G, p.His494Arg (NM_147200.3); short protein forms H484R, H29R, H494R, H485R.
Identifiers: ClinVar variation 3634244 (VCV003634244.1).

ClinVar aggregate classification (germline): Uncertain significance (1 of 4 stars; one submission).

Conditions:
Candidiasis, familial, 8 (CANDF8). Identifiers: Orphanet 1334, MedGen C3714992, MONDO:0014230, OMIM 615527.

gnomAD v4.1: 7 of 1,614,004 alleles (0.00043%); highest among the groups gnomAD compares: Non-Finnish European, 0.00059%; no homozygotes.

Submission:

Labcorp Genetics (formerly Invitae), Labcorp
Classification: Uncertain significance for Candidiasis, familial, 8. Last evaluated: 2024-12-31. Review status: criteria provided, single submitter. Criteria: Invitae Variant Classification Sherloc (09022015). Collection method: clinical testing. Allele origin: germline.
Comment: This sequence change replaces histidine, which is basic and polar, with arginine, which is basic and polar, at codon 485 of the TRAF3IP2 protein (p.His485Arg). This variant is present in population databases (rs763383745, gnomAD 0.0009%). This variant has not been reported in the literature in individuals affected with TRAF3IP2-related conditions. Invitae Evidence Modeling of protein sequence and biophysical properties (such as structural, functional, and spatial information, amino acid conservation, physicochemical variation, residue mobility, and thermodynamic stability) has been performed for this missense variant. However, the output from this modeling did not meet the statistical confidence thresholds required to predict the impact of this variant on TRAF3IP2 protein function. In summary, the available evidence is currently insufficient to determine the role of this variant in disease. Therefore, it has been classified as a Variant of Uncertain Significance.